The following is an entry in ClinVar:

NM_198859.4(PRICKLE2):c.112G>A (p.Ala38Thr)

Genes: PRICKLE2 (prickle planar cell polarity protein 2; minus strand), PRICKLE2-AS3 (PRICKLE2 antisense RNA 3; plus strand). Cytogenetic location: 3p14.1.
Variant type: single nucleotide variant.
Coding change: c.112G>A on transcript NM_198859.4 (MANE Select); coding-DNA position 112, G replaced by A.
Protein change: p.Ala38Thr; replaces alanine 38 with threonine.
Molecular consequence: missense variant. On other transcripts: non-coding transcript variant (1).
Genome position (GRCh38, 1-based): chr3:64,198,816, C>T on the plus strand (G>A on the coding strand, the complement: PRICKLE2 is on the minus strand). VCF-style: chr3-64198816-C-T. GRCh37 (hg19) VCF-style: chr3-64184492-C-T.
Other names: c.112G>A, p.Ala38Thr (NM_001370528.1); short protein forms A38T.
Identifiers: ClinVar variation 4742181 (VCV004742181.1).

ClinVar aggregate classification (germline): Uncertain significance (1 of 4 stars; one submission).

Conditions:
Progressive myoclonic epilepsy type 5. Identifiers: Orphanet 402082, MedGen C5190799.

Submission:

Labcorp Genetics (formerly Invitae), Labcorp
Classification: Uncertain significance for Progressive myoclonic epilepsy type 5. Last evaluated: 2025-03-19. Review status: criteria provided, single submitter. Criteria: Invitae Variant Classification Sherloc (09022015). Collection method: clinical testing. Allele origin: germline.
Comment: This sequence change replaces alanine, which is neutral and non-polar, with threonine, which is neutral and polar, at codon 38 of the PRICKLE2 protein (p.Ala38Thr). This variant is not present in population databases (gnomAD no frequency). This variant has not been reported in the literature in individuals affected with PRICKLE2-related conditions. Invitae Evidence Modeling of protein sequence and biophysical properties (such as structural, functional, and spatial information, amino acid conservation, physicochemical variation, residue mobility, and thermodynamic stability) indicates that this missense variant is not expected to disrupt PRICKLE2 protein function with a negative predictive value of 80%. In summary, the available evidence is currently insufficient to determine the role of this variant in disease. Therefore, it has been classified as a Variant of Uncertain Significance.